The following is an entry in ClinVar:

NM_001319206.4(MEF2A):c.1253AGC[9] (p.Gln427_Gln428del)

Gene: MEF2A (myocyte enhancer factor 2A; plus strand). Cytogenetic location: 15q26.3.
Variant type: Microsatellite.
Coding change: c.1253AGC[9] on transcript NM_001319206.4 (MANE Select); nine copies in a row of the 3-base unit AGC starting at c.1253; the reference has 11 copies in a row; two copies, 6 bases deleted.
Protein change: p.Gln427_Gln428del.
Molecular consequence: inframe deletion.
Genome position (GRCh38, 1-based): chr15:99,712,533-99,712,538, AGCAGC deleted; deleting any 6 consecutive bases within chr15:99,712,505-99,712,538 gives the same sequence; the position shown is the placement nearest the transcript's 3' end. VCF-style (leftmost placement, unchanged base first): chr15-99712504-CCAGCAG-C. GRCh37 (hg19) VCF-style: chr15-100252709-CCAGCAG-C.
Other names: c.1229AGC[9], p.Gln419_Gln420del (NM_001130926.5, NM_001171894.5, NM_001352614.4 and 2 more transcripts); c.1049AGC[9], p.Gln359_Gln360del (NM_001130927.5, NM_001365209.3); c.1025AGC[9], p.Gln351_Gln352del (NM_001130928.4, NM_001393559.2); c.1253AGC[9], p.Gln427_Gln428del (NM_001352616.4, NM_001365205.3); c.1235AGC[9], p.Gln421_Gln422del (NM_001352617.4, NM_001365207.3, NM_005587.6); c.1247AGC[9], p.Gln425_Gln426del (NM_001352618.4, NM_001365206.3); c.1271AGC[9], p.Gln433_Gln434del (NM_001365201.3, NM_001365202.3); c.1259AGC[9], p.Gln429_Gln430del (NM_001365203.3, NM_001365204.3); and 4 more.
Identifiers: ClinVar variation 403080 (VCV000403080.6), dbSNP rs3138597, ClinGen allele CA7755653.

ClinVar aggregate classification (germline): Benign. Review status: criteria provided, single submitter (1 of 4 stars). 2 submissions from 2 submitters: Benign (1). 1 of the submissions does not count toward it. Last evaluated 2016-03-28.

Conditions:
MEF2A-related disorder. Also called: MEF2A-related condition.

Submissions (2):

Laboratory for Molecular Medicine, Mass General Brigham Personalized Medicine
Classification: Benign. Last evaluated: 2016-03-28. Review status: criteria provided, single submitter. Criteria: LMM Criteria. Collection method: clinical testing. Allele origin: germline.
Comment: Variant identified in a genome or exome case(s) and assessed due to predicted null impact of the variant or pathogenic assertions in the literature or databases. Disclaimer: This variant has not undergone full assessment. The following are preliminary notes: Frequency

PreventionGenetics, part of Exact Sciences
Classification: Benign for MEF2A-related condition. Last evaluated: 2019-10-31. Review status: no assertion criteria provided. Collection method: clinical testing. Allele origin: germline. Not counted in ClinVar's aggregate classification.
Comment: This variant is classified as benign based on ACMG/AMP sequence variant interpretation guidelines (Richards et al. 2015 PMID: 25741868, with internal and published modifications).